The following is an entry in ClinVar:

NM_001853.4(COL9A3):c.1507G>A (p.Val503Ile)

Genes: COL9A3 (collagen type IX alpha 3 chain; plus strand), LOC126863084 (MED14-independent group 3 enhancer GRCh37_chr20:61467141-61468340; plus strand). Cytogenetic location: 20q13.33.
Variant type: single nucleotide variant.
Coding change: c.1507G>A on transcript NM_001853.4 (MANE Select); coding-DNA position 1507, G replaced by A.
Protein change: p.Val503Ile; replaces valine 503 with isoleucine.
Molecular consequence: missense variant.
Genome position (GRCh38, 1-based): chr20:62,836,292, G>A. VCF-style: chr20-62836292-G-A. GRCh37 (hg19) VCF-style: chr20-61467644-G-A.
Other names: short protein forms V503I.
Identifiers: ClinVar variation 2421817 (VCV002421817.7), dbSNP rs773871735, ClinGen allele CA9950005.

ClinVar aggregate classification (germline): Uncertain significance (1 of 4 stars; one submission).

Allele frequency attached by ClinVar (database versions not stated): ExAC 0.00001; gnomAD 0.00001; TOPMed 0.00001.
gnomAD v4.1: 14 of 1,613,736 alleles (0.00087%); highest among the groups gnomAD compares: Admixed American, 0.012%; no homozygotes.

Submission:

Labcorp Genetics (formerly Invitae), Labcorp
Classification: Uncertain significance. Last evaluated: 2025-06-20. Review status: criteria provided, single submitter. Criteria: Invitae Variant Classification Sherloc (09022015). Collection method: clinical testing. Allele origin: germline.
Comment: This sequence change replaces valine, which is neutral and non-polar, with isoleucine, which is neutral and non-polar, at codon 503 of the COL9A3 protein (p.Val503Ile). This variant is present in population databases (rs773871735, gnomAD 0.01%). This variant has not been reported in the literature in individuals affected with COL9A3-related conditions. ClinVar contains an entry for this variant (Variation ID: 2421817). Invitae Evidence Modeling of protein sequence and biophysical properties (such as structural, functional, and spatial information, amino acid conservation, physicochemical variation, residue mobility, and thermodynamic stability) indicates that this missense variant is not expected to disrupt COL9A3 protein function with a negative predictive value of 95%. In summary, the available evidence is currently insufficient to determine the role of this variant in disease. Therefore, it has been classified as a Variant of Uncertain Significance.